The following is an entry in ClinVar:

ClinVar aggregate classification (germline): Uncertain significance. Review status: criteria provided, multiple submitters, no conflicts (2 of 4 stars). 3 submissions from 3 submitters: Uncertain significance (3). Last evaluated 2026-07-16.

Conditions:
KSR2-related disorder. Also called: KSR2-related condition.

gnomAD v4.1: 10 of 1,607,494 alleles (0.00062%); highest among the groups gnomAD compares: Admixed American, 0.017%; no homozygotes.

Submissions (3):

PreventionGenetics, part of Exact Sciences
Classification: Uncertain significance for KSR2-related condition. Last evaluated: 2026-07-16. Review status: criteria provided, single submitter. Criteria: ACMG Guidelines, 2015. Collection method: clinical testing. Allele origin: germline.
Comment: The KSR2 c.1532C>T variant is predicted to result in the amino acid substitution p.Ala511Val. This variant has not been reported in the literature in individuals with KSR2-related disorders. This variant is reported in 0.030% of alleles in individuals of Latino descent in gnomAD. At this time, the clinical significance of this variant is uncertain due to the absence of conclusive functional and genetic evidence.

Labcorp Genetics (formerly Invitae), Labcorp
Classification: Uncertain significance. Last evaluated: 2025-08-13. Review status: criteria provided, single submitter. Criteria: Invitae Variant Classification Sherloc (09022015). Collection method: clinical testing. Allele origin: germline.
Comment: This sequence change replaces alanine, which is neutral and non-polar, with valine, which is neutral and non-polar, at codon 511 of the KSR2 protein (p.Ala511Val). This variant is present in population databases (rs776448792, gnomAD 0.03%). This variant has not been reported in the literature in individuals affected with KSR2-related conditions. ClinVar contains an entry for this variant (Variation ID: 3711683). An algorithm developed to predict the effect of missense changes on protein structure and function (PolyPhen-2) suggests that this variant is likely to be disruptive. In summary, the available evidence is currently insufficient to determine the role of this variant in disease. Therefore, it has been classified as a Variant of Uncertain Significance.

Ambry Genetics
Classification: Uncertain significance. Last evaluated: 2025-04-17. Review status: criteria provided, single submitter. Criteria: Ambry Variant Classification Scheme 2023. Collection method: clinical testing. Allele origin: germline.

NM_173598.6(KSR2):c.1619C>T (p.Ala540Val)

Gene: KSR2 (kinase suppressor of ras 2; minus strand). Cytogenetic location: 12q24.22.
Variant type: single nucleotide variant.
Coding change: c.1619C>T on transcript NM_173598.6 (MANE Select); coding-DNA position 1619, C replaced by T.
Protein change: p.Ala540Val; replaces alanine 540 with valine.
Molecular consequence: missense variant.
Genome position (GRCh38, 1-based): chr12:117,539,787, G>A on the plus strand (C>T on the coding strand, the complement: KSR2 is on the minus strand). VCF-style: chr12-117539787-G-A. GRCh37 (hg19) VCF-style: chr12-117977592-G-A.
Other names: c.1532C>T (NM_173598.4); short protein forms A540V.
Identifiers: ClinVar variation 3711683 (VCV003711683.4).